The following is an entry in ClinVar:

ClinVar aggregate classification (germline): Uncertain significance (1 of 4 stars; one submission).

Allele frequency attached by ClinVar (database versions not stated): gnomAD exomes below 0.00001.
gnomAD v4.1: 1 of 1,613,440 alleles (0.000062%); highest among the groups gnomAD compares: Non-Finnish European, 0.000085%; no homozygotes.

Submission:

Labcorp Genetics (formerly Invitae), Labcorp
Classification: Uncertain significance. Last evaluated: 2023-03-02. Review status: criteria provided, single submitter. Criteria: Invitae Variant Classification Sherloc (09022015). Collection method: clinical testing. Allele origin: germline.
Comment: In summary, the available evidence is currently insufficient to determine the role of this variant in disease. Therefore, it has been classified as a Variant of Uncertain Significance. Advanced modeling of protein sequence and biophysical properties (such as structural, functional, and spatial information, amino acid conservation, physicochemical variation, residue mobility, and thermodynamic stability) performed at Invitae indicates that this missense variant is not expected to disrupt MTOR protein function. This variant has not been reported in the literature in individuals affected with MTOR-related conditions. This variant is not present in population databases (gnomAD no frequency). This sequence change replaces glutamic acid, which is acidic and polar, with lysine, which is basic and polar, at codon 1442 of the MTOR protein (p.Glu1442Lys).

NM_004958.4(MTOR):c.4324G>A (p.Glu1442Lys)

Gene: MTOR (mechanistic target of rapamycin kinase; minus strand). Cytogenetic location: 1p36.22.
Variant type: single nucleotide variant.
Coding change: c.4324G>A on transcript NM_004958.4 (MANE Select); coding-DNA position 4324, G replaced by A.
Protein change: p.Glu1442Lys; replaces glutamic acid 1442 with lysine.
Molecular consequence: missense variant.
Genome position (GRCh38, 1-based): chr1:11,167,447, C>T on the plus strand (G>A on the coding strand, the complement: MTOR is on the minus strand). VCF-style: chr1-11167447-C-T. GRCh37 (hg19) VCF-style: chr1-11227504-C-T.
Other names: c.4324G>A, p.Glu1442Lys (NM_001386500.1); c.3076G>A, p.Glu1026Lys (NM_001386501.1); short protein forms E1442K, E1026K.
Identifiers: ClinVar variation 2842189 (VCV002842189.3), dbSNP rs2522695533, ClinGen allele CA338375030.
Genomic context (GRCh38, chr1:11,167,447, plus strand): 5'-AACTCCCTAGCCAAGTCTCTACCTCCTGCTTTTCCAAAAAGAATGAGGTGCTTACCAGCT[C>T]TCCAAAGTGTTTCATGGCATATTCTAACACTCCGGCCGCTGCCTCCGGCTGCTGTAGCTT-3'
Protein context (NP_004949.1, residues 1432-1452): VLEYAMKHFG[Glu1442Lys]LEIQATWYEK